The following is an entry in ClinVar:

ClinVar aggregate classification (germline): Benign/Likely benign. Review status: criteria provided, multiple submitters, no conflicts (2 of 4 stars). 10 submissions from 10 submitters: Benign (4); Likely benign (2). 4 of the submissions do not count toward it. Last evaluated 2026-09-01.

Conditions:
MBD4-related disorder. Also called: MBD4-related condition.
Inborn genetic diseases. Identifiers: MedGen C0950123, MeSH D030342.
Tumor predisposition syndrome 2 (TPDS2). Also called: MBD4-ASSOCIATED NEOPLASIA SYNDROME; MBD4-associated neoplasia syndrome (MANS); MBD4-Related Tumor Predisposition Syndrome. Identifiers: Orphanet 661526, MedGen C5774186, MONDO:0859267, OMIM 619975.

Allele frequency attached by ClinVar (database versions not stated): 1000 Genomes Project 0.00419; 1000 Genomes Project 30x 0.00422; ExAC 0.00695; gnomAD 0.00698 and 0.00713; gnomAD exomes 0.00744 and 0.01046; TOPMed 0.00764; ESP Exome Variant Server 0.00861.
gnomAD v4.1: 16,365 of 1,614,030 alleles (1%); highest among the groups gnomAD compares: Non-Finnish European, 1.2%; 84 homozygotes.

Submissions (10):

CeGaT Center for Human Genetics Tuebingen
Classification: Benign. Last evaluated: 2026-09-01. Review status: criteria provided, single submitter. Criteria: CeGaT Center For Human Genetics Tuebingen Variant Classification Criteria Version 2. Collection method: clinical testing. Allele origin: germline. Affected: yes. Observed: 89 variant alleles.
Comment: MBD4: BS1, BS2

Myriad Genetics, Inc.
Classification: Likely benign for Tumor predisposition syndrome 2. Last evaluated: 2026-06-08. Review status: criteria provided, single submitter. Criteria: Myriad Autosomal Dominant, Autosomal Recessive and X-Linked Classification Criteria (2023). Collection method: clinical testing. Allele origin: unknown.
Comment: This variant is considered likely benign. This variant has been observed at a population frequency that is significantly greater than expected given the associated disease prevalence and penetrance.

Labcorp Genetics (formerly Invitae), Labcorp
Classification: Benign. Last evaluated: 2026-02-04. Review status: criteria provided, single submitter. Criteria: Invitae Variant Classification Sherloc (09022015). Collection method: clinical testing. Allele origin: germline.

Ambry Genetics
Classification: Benign for Inborn genetic diseases. Last evaluated: 2024-10-29. Review status: criteria provided, single submitter. Criteria: Ambry Variant Classification Scheme 2023. Collection method: clinical testing. Allele origin: germline.

Genetic Services Laboratory, University of Chicago
Classification: Benign. Last evaluated: 2021-05-14. Review status: criteria provided, single submitter. Criteria: ACMG Guidelines, 2015. Collection method: clinical testing. Allele origin: germline. Affected: no.

Breakthrough Genomics
Classification: Likely benign. Review status: criteria provided, single submitter. Criteria: ACMG Guidelines, 2015. Collection method: not provided. Allele origin: germline. Inheritance: Autosomal recessive inheritance. Affected: yes.

PreventionGenetics, part of Exact Sciences
Classification: Benign for MBD4-related condition. Last evaluated: 2019-02-19. Review status: no assertion criteria provided. Collection method: clinical testing. Allele origin: germline. Not counted in ClinVar's aggregate classification.
Comment: This variant is classified as benign based on ACMG/AMP sequence variant interpretation guidelines (Richards et al. 2015 PMID: 25741868, with internal and published modifications).

Clinical Genetics, Academic Medical Center
Classification: Likely benign. Review status: no assertion criteria provided. Collection method: clinical testing. Allele origin: germline. Affected: yes. Study: VKGL Data-share Consensus. Not counted in ClinVar's aggregate classification.

Genome Diagnostics Laboratory, Amsterdam University Medical Center
Classification: Benign. Review status: no assertion criteria provided. Collection method: clinical testing. Allele origin: germline. Affected: yes. Study: VKGL Data-share Consensus. Not counted in ClinVar's aggregate classification.

Laboratory of Diagnostic Genome Analysis, Leiden University Medical Center (LUMC)
Classification: Likely benign. Review status: no assertion criteria provided. Collection method: clinical testing. Allele origin: germline. Affected: yes. Study: VKGL Data-share Consensus. Not counted in ClinVar's aggregate classification.

NM_001276270.2(MBD4):c.1073T>C (p.Ile358Thr)

Gene: MBD4 (methyl-CpG binding domain 4, DNA glycosylase; minus strand). Cytogenetic location: 3q21.3.
Variant type: single nucleotide variant.
Coding change: c.1073T>C on transcript NM_001276270.2 (MANE Select); coding-DNA position 1073, T replaced by C.
Protein change: p.Ile358Thr; replaces isoleucine 358 with threonine.
Molecular consequence: missense variant. On other transcripts: intron variant (1).
Genome position (GRCh38, 1-based): chr3:129,436,571, A>G on the plus strand (T>C on the coding strand, the complement: MBD4 is on the minus strand). VCF-style: chr3-129436571-A-G. GRCh37 (hg19) VCF-style: chr3-129155414-A-G.
Other names: c.1073T>C, p.Ile358Thr (NM_001276271.2, NM_001276272.2, NM_003925.3); c.247+1237T>C (NM_001276273.2); short protein forms I358T.
Identifiers: ClinVar variation 1299953 (VCV001299953.42), dbSNP rs2307298, ClinGen allele CA2605420.